The following is an entry in ClinVar:

NM_002778.4(PSAP):c.589G>T (p.Val197Phe)

Gene: PSAP (prosaposin; minus strand). Cytogenetic location: 10q22.1.
Variant type: single nucleotide variant.
Coding change: c.589G>T on transcript NM_002778.4 (MANE Select); coding-DNA position 589, G replaced by T.
Protein change: p.Val197Phe; replaces valine 197 with phenylalanine.
Molecular consequence: missense variant.
Genome position (GRCh38, 1-based): chr10:71,828,145, C>A on the plus strand (G>T on the coding strand, the complement: PSAP is on the minus strand). VCF-style: chr10-71828145-C-A. GRCh37 (hg19) VCF-style: chr10-73587902-C-A.
Other names: c.589G>T, p.Val197Phe (NM_001042465.3, NM_001042466.3); short protein forms V197F.
Identifiers: ClinVar variation 2573492 (VCV002573492.3), dbSNP rs191952316, ClinGen allele CA5547718.
Genomic context (GRCh38, chr10:71,828,145, plus strand): 5'-TGGAGTTGGTCCGTACAGCAGTCTGGATGTCAGTCACCATCTGAATGCAGTCCTGGCAAA[C>A]GTCCCCATTATCCTACAGAAGAGGCAGTTAGGTTTGCAACTTAAGAGGACTCAAATTCCT-3'
Protein context (NP_002769.1, residues 187-207): SKPQPKDNGD[Val197Phe]CQDCIQMVTD

ClinVar aggregate classification (germline): Uncertain significance. Review status: criteria provided, multiple submitters, no conflicts (2 of 4 stars). 2 submissions from 2 submitters: Uncertain significance (2). Last evaluated 2024-05-08.

gnomAD v4.1: 5 of 1,614,140 alleles (0.00031%); highest among the groups gnomAD compares: East Asian, 0.011%; no homozygotes.

Submissions (2):

Blueprint Genetics
Classification: Uncertain significance. Last evaluated: 2024-05-08. Review status: criteria provided, single submitter. Criteria: ACMG Guidelines, 2015. Collection method: clinical testing. Allele origin: germline.

Women's Health and Genetics/Laboratory Corporation of America, LabCorp
Classification: Uncertain significance. Last evaluated: 2024-04-26. Review status: criteria provided, single submitter. Criteria: LabCorp Variant Classification Summary - May 2015. Collection method: clinical testing. Allele origin: germline.
Comment: Variant summary: PSAP c.589G>T (p.Val197Phe) results in a non-conservative amino acid change located in the Saposin B type domain (IPR008139) of the encoded protein sequence. Five of five in-silico tools predict a damaging effect of the variant on protein function. The variant allele was found at a frequency of 1.6e-05 in 251492 control chromosomes (gnomAD). The available data on variant occurrences in the general population are insufficient to allow any conclusion about variant significance. c.589G>T has been reported in the literature in an individual affected with Parkinson's Disease (Zhao_2021). This report does not provide unequivocal conclusions about association of the variant with Metachromatic Leukodystrophy. To our knowledge, no experimental evidence demonstrating an impact on protein function has been reported. The following publication has been ascertained in the context of this evaluation (PMID: 33793763). ClinVar contains an entry for this variant (Variation ID: 2573492). Based on the evidence outlined above, the variant was classified as uncertain significance.

Literature cited by the submitters: PubMed 33793763 (cited by Women's Health and Genetics/Laboratory Corporation of America, LabCorp).